The following is an entry in ClinVar:

ClinVar aggregate classification (germline): Uncertain significance. Review status: criteria provided, multiple submitters, no conflicts (2 of 4 stars). 3 submissions from 3 submitters: Uncertain significance (3). Last evaluated 2025-07-08.

Conditions:
Cardiovascular phenotype. Identifiers: MedGen CN230736.
Cardiomyopathy (CMYO). Also called: Cardiomyopathies. Identifiers: Orphanet 167848, MedGen C0878544, MONDO:0004994, HP:0001638. Inheritance: Various modes of inheritance.
Arrhythmogenic right ventricular dysplasia 5. Also called: Arrhythmogenic Right Ventricular Dysplasia/Cardiomyopathy 5; ARRHYTHMOGENIC RIGHT VENTRICULAR DYSPLASIA, FAMILIAL, 5. Identifiers: MedGen C1858379, MONDO:0011459, OMIM 604400.

Submissions (3):

Color Diagnostics, LLC DBA Color Health
Classification: Uncertain significance for Cardiomyopathy. Last evaluated: 2025-07-08. Review status: criteria provided, single submitter. Criteria: ACMG Guidelines, 2015. Collection method: clinical testing. Allele origin: germline.
Comment: This missense variant replaces histidine with leucine at codon 215 of the TMEM43 protein. Computational prediction suggests that this variant may not impact protein structure and function. To our knowledge, functional studies have not been reported for this variant. This variant has not been reported in individuals affected with TMEM43-related disorders in the literature. This variant has not been identified in the general population by the Genome Aggregation Database (gnomAD). The available evidence is insufficient to determine the role of this variant in disease conclusively. Therefore, this variant is classified as a Variant of Uncertain Significance.

Ambry Genetics
Classification: Uncertain significance for Cardiovascular phenotype. Last evaluated: 2024-10-24. Review status: criteria provided, single submitter. Criteria: Ambry Variant Classification Scheme 2023. Collection method: clinical testing. Allele origin: germline.
Comment: The p.H215L variant (also known as c.644A>T), located in coding exon 8 of the TMEM43 gene, results from an A to T substitution at nucleotide position 644. The histidine at codon 215 is replaced by leucine, an amino acid with similar properties. This amino acid position is conserved. In addition, this alteration is predicted to be tolerated by in silico analysis. Based on the available evidence, the clinical significance of this variant remains unclear.

Labcorp Genetics (formerly Invitae), Labcorp
Classification: Uncertain significance for Arrhythmogenic right ventricular dysplasia 5. Last evaluated: 2018-12-18. Review status: criteria provided, single submitter. Criteria: Invitae Variant Classification Sherloc (09022015). Collection method: clinical testing. Allele origin: germline.
Comment: In summary, the available evidence is currently insufficient to determine the role of this variant in disease. Therefore, it has been classified as a Variant of Uncertain Significance. Algorithms developed to predict the effect of missense changes on protein structure and function (SIFT, PolyPhen-2, Align-GVGD) all suggest that this variant is likely to be tolerated, but these predictions have not been confirmed by published functional studies and their clinical significance is uncertain. This variant has not been reported in the literature in individuals with TMEM43-related conditions. This variant is not present in population databases (ExAC no frequency). This sequence change replaces histidine with leucine at codon 215 of the TMEM43 protein (p.His215Leu). The histidine residue is moderately conserved and there is a moderate physicochemical difference between histidine and leucine.

NM_024334.3(TMEM43):c.644A>T (p.His215Leu)

Gene: TMEM43 (transmembrane protein 43; plus strand). Cytogenetic location: 3p25.1.
Variant type: single nucleotide variant.
Coding change: c.644A>T on transcript NM_024334.3 (MANE Select); coding-DNA position 644, A replaced by T.
Protein change: p.His215Leu; replaces histidine 215 with leucine.
Molecular consequence: missense variant.
Genome position (GRCh38, 1-based): chr3:14,134,830, A>T. VCF-style: chr3-14134830-A-T. GRCh37 (hg19) VCF-style: chr3-14176330-A-T.
Other names: short protein forms H215L.
Identifiers: ClinVar variation 659648 (VCV000659648.9), dbSNP rs730880225, ClinGen allele CA351535556.